The following is an entry in ClinVar:

ClinVar aggregate classification (germline): Benign/Likely benign. Review status: criteria provided, multiple submitters, no conflicts (2 of 4 stars). 10 submissions from 10 submitters: Benign (3); Likely benign (7). Last evaluated 2026-06-01.

Conditions:
Inborn genetic diseases. Identifiers: MedGen C0950123, MeSH D030342.
Pitt-Hopkins syndrome (PTHS). Also called: ENCEPHALOPATHY, SEVERE EPILEPTIC, WITH AUTONOMIC DYSFUNCTION; MENTAL RETARDATION, SYNDROMAL, WITH INTERMITTENT HYPERVENTILATION. Identifiers: Orphanet 2896, MedGen C1970431, MONDO:0012589, OMIM 610954.

Allele frequency attached by ClinVar (database versions not stated): 1000 Genomes Project 0.00040; ExAC 0.00040; gnomAD exomes 0.00044 and 0.00047; ESP Exome Variant Server 0.00046; gnomAD 0.00049 and 0.00067; 1000 Genomes Project 30x 0.00062; TOPMed 0.00094.
gnomAD v4.1: 751 of 1,614,164 alleles (0.047%); highest among the groups gnomAD compares: Middle Eastern, 0.76%; 2 homozygotes.

Submissions (10):

CeGaT Center for Human Genetics Tuebingen
Classification: Likely benign. Last evaluated: 2026-06-01. Review status: criteria provided, single submitter. Criteria: CeGaT Center For Human Genetics Tuebingen Variant Classification Criteria Version 2. Collection method: clinical testing. Allele origin: germline. Affected: yes. Observed: 17 variant alleles.
Comment: TCF4: BP4, BP7, BS1

Labcorp Genetics (formerly Invitae), Labcorp
Classification: Likely benign for Pitt-Hopkins syndrome. Last evaluated: 2026-02-03. Review status: criteria provided, single submitter. Criteria: Invitae Variant Classification Sherloc (09022015). Collection method: clinical testing. Allele origin: germline.

Blueprint Genetics
Classification: Likely benign. Last evaluated: 2024-10-24. Review status: criteria provided, single submitter. Criteria: ACMG Guidelines, 2015. Collection method: clinical testing. Allele origin: germline.

Athena Diagnostics
Classification: Benign. Last evaluated: 2018-12-31. Review status: criteria provided, single submitter. Criteria: Athena Diagnostics Criteria. Collection method: clinical testing. Allele origin: germline.

Illumina Laboratory Services, Illumina
Classification: Likely benign for Pitt-Hopkins syndrome. Last evaluated: 2017-04-28. Review status: criteria provided, single submitter. Criteria: ICSL Variant Classification Criteria 13 December 2019. Collection method: clinical testing. Allele origin: germline.
Comment: This variant was observed as part of a predisposition screen in an ostensibly healthy population. A literature search was performed for the gene, cDNA change, and amino acid change (where applicable). No publications were found based on this search. Allele frequency data from public databases allowed determination this variant is unlikely to cause disease. Therefore, this variant is classified as likely benign.

Ambry Genetics
Classification: Likely benign for Inborn genetic diseases. Last evaluated: 2016-09-19. Review status: criteria provided, single submitter. Criteria: Ambry Variant Classification Scheme 2023. Collection method: clinical testing. Allele origin: germline.

Eurofins Ntd Llc (ga)
Classification: Benign. Last evaluated: 2016-01-07. Review status: criteria provided, single submitter. Criteria: EGL Classification Definitions 2015. Collection method: clinical testing. Allele origin: germline. Observed: 3 variant alleles, 3 heterozygotes.

Genetic Services Laboratory, University of Chicago
Classification: Likely benign. Last evaluated: 2015-08-10. Review status: criteria provided, single submitter. Criteria: ACMG Guidelines, 2015. Collection method: clinical testing. Allele origin: germline.

GeneDx
Classification: Benign. Last evaluated: 2013-05-22. Review status: criteria provided, single submitter. Criteria: GeneDx Variant Classification (06012015). Collection method: clinical testing. Allele origin: germline. Affected: yes.
Comment: This variant is considered likely benign or benign based on one or more of the following criteria: it is a conservative change, it occurs at a poorly conserved position in the protein, it is predicted to be benign by multiple in silico algorithms, and/or has population frequency not consistent with disease.

Breakthrough Genomics
Classification: Likely benign. Review status: criteria provided, single submitter. Criteria: ACMG Guidelines, 2015. Collection method: not provided. Allele origin: germline. Inheritance: Autosomal dominant inheritance. Affected: yes.

NM_001083962.2(TCF4):c.1923G>A (p.Glu641=)

Gene: TCF4 (transcription factor 4; minus strand). Cytogenetic location: 18q21.2.
Variant type: single nucleotide variant.
Coding change: c.1923G>A on transcript NM_001083962.2 (MANE Select); coding-DNA position 1923, G replaced by A.
Protein change: p.Glu641=; no amino-acid change (glutamic acid 641 retained).
Molecular consequence: synonymous variant.
Genome position (GRCh38, 1-based): chr18:55,228,318, C>T on the plus strand (G>A on the coding strand, the complement: TCF4 is on the minus strand). VCF-style: chr18-55228318-C-T. GRCh37 (hg19) VCF-style: chr18-52895549-C-T.
Other names: p.E641E:GAG>GAA; c.2229G>A, p.Glu743= (NM_001243226.3); c.1851G>A, p.Glu617= (NM_001243227.2, NM_001348217.1, NM_001348218.2 and 1 more transcripts); c.1941G>A, p.Glu647= (NM_001243228.2); c.1902G>A, p.Glu634= (NM_001243230.2); c.1785G>A, p.Glu595= (NM_001243231.2); c.1710G>A, p.Glu570= (NM_001243232.1); c.1521G>A, p.Glu507= (NM_001243233.2, NM_001348212.2); and 15 more.
Identifiers: ClinVar variation 93543 (VCV000093543.57), dbSNP rs76956936, ClinGen allele CA295458.
Genomic context (GRCh38, chr18:55,228,318, plus strand): 5'-CATTCCAGGGTGTGGGCCGGCCAAGGAGAGAGGGGGAGGCTCTGAGGACACCTTCTCTTC[C>T]TCCCTTCTTTTCAGACACGCAGCTTTCGGATTCAGATTCCTTTCTGTGGAGGATTAAAGC-3'
Protein context (NP_001077431.1, residues 631-651): NPKAACLKRR[Glu641=]EEKVSSEPPP